The following is an entry in ClinVar:

NC_000016.9:g.(?_56995892)_(56997056_?)del

Gene: CETP (cholesteryl ester transfer protein; plus strand). Cytogenetic location: 16q13.
Variant type: Deletion.
Identifiers: ClinVar variation 3243574 (VCV003243574.1).

ClinVar aggregate classification (germline): Uncertain significance (1 of 4 stars; one submission).

Submission:

Labcorp Genetics (formerly Invitae), Labcorp
Classification: Uncertain significance. Last evaluated: 2022-12-26. Review status: criteria provided, single submitter. Criteria: Invitae Variant Classification Sherloc (09022015). Collection method: clinical testing. Allele origin: unknown.
Comment: In summary, the available evidence is currently insufficient to determine the role of this variant in disease. Therefore, it has been classified as a Variant of Uncertain Significance. This variant has not been reported in the literature in individuals affected with CETP-related conditions. This variant is a gross deletion of the genomic region encompassing exon(s) 1-2 of the CETP gene, which includes the initiator codon. This deletion extends beyond the assayed region for this gene and therefore may encompass additional genes. It is expected to result in an absent or disrupted protein product. However, the current clinical and genetic evidence is not sufficient to establish whether loss-of-function variants in CETP cause disease.